The following is an entry in ClinVar:

NM_006000.3(TUBA4A):c.1086G>A (p.Val362=)

Gene: TUBA4A (tubulin alpha 4a; minus strand). Cytogenetic location: 2q35.
Variant type: single nucleotide variant.
Coding change: c.1086G>A on transcript NM_006000.3 (MANE Select); coding-DNA position 1086, G replaced by A.
Protein change: p.Val362=; no amino-acid change (valine 362 retained).
Molecular consequence: synonymous variant.
Genome position (GRCh38, 1-based): chr2:219,250,613, C>T on the plus strand (G>A on the coding strand, the complement: TUBA4A is on the minus strand). VCF-style: chr2-219250613-C-T. GRCh37 (hg19) VCF-style: chr2-220115335-C-T.
Other names: c.1041G>A, p.Val347= (NM_001278552.2).
Identifiers: ClinVar variation 3353512 (VCV003353512.1).

ClinVar aggregate classification (germline): Likely benign (0 of 4 stars; one submission).

Conditions:
TUBA4A-related disorder. Also called: TUBA4A-related condition.

gnomAD v4.1: 1 of 1,614,240 alleles (0.000062%); highest among the groups gnomAD compares: Non-Finnish European, 0.000085%; no homozygotes.

Submission:

PreventionGenetics, part of Exact Sciences
Classification: Likely benign for TUBA4A-related condition. Last evaluated: 2023-07-12. Review status: no assertion criteria provided. Collection method: clinical testing. Allele origin: germline.
Comment: This variant is classified as likely benign based on ACMG/AMP sequence variant interpretation guidelines (Richards et al. 2015 PMID: 25741868, with internal and published modifications).